The following is an entry in ClinVar:

NM_020779.4(WDR35):c.626G>A (p.Gly209Glu)

Gene: WDR35 (WD repeat domain 35; minus strand). Cytogenetic location: 2p24.1.
Variant type: single nucleotide variant.
Coding change: c.626G>A on transcript NM_020779.4 (MANE Select); coding-DNA position 626, G replaced by A.
Protein change: p.Gly209Glu; replaces glycine 209 with glutamic acid.
Molecular consequence: missense variant.
Genome position (GRCh38, 1-based): chr2:19,974,578, C>T on the plus strand (G>A on the coding strand, the complement: WDR35 is on the minus strand). VCF-style: chr2-19974578-C-T. GRCh37 (hg19) VCF-style: chr2-20174339-C-T.
Other names: c.626G>A, p.Gly209Glu (NM_001006657.2); short protein forms G209E.
Identifiers: ClinVar variation 1484506 (VCV001484506.7), dbSNP rs1410550467, ClinGen allele CA345947302.

ClinVar aggregate classification (germline): Uncertain significance. Review status: criteria provided, multiple submitters, no conflicts (2 of 4 stars). 2 submissions from 2 submitters: Uncertain significance (2). Last evaluated 2024-06-12.

Conditions:
Cranioectodermal dysplasia 2 (CED2). Identifiers: Orphanet 1515, MedGen C3150874, MONDO:0013323, OMIM 613610.
Short-rib thoracic dysplasia 7 with or without polydactyly (SRTD7). Also called: Short rib polydactyly syndrome 5; SHORT-RIB THORACIC DYSPLASIA 7 WITH POLYDACTYLY. Identifiers: Orphanet 498497, Orphanet 93271, MedGen C3279792, MONDO:0013569, OMIM 614091.

Allele frequency attached by ClinVar (database versions not stated): gnomAD exomes below 0.00001; gnomAD 0.00001; TOPMed 0.00001.
gnomAD v4.1: 5 of 1,613,302 alleles (0.00031%); highest among the groups gnomAD compares: African/African-American, 0.0013%; no homozygotes.

Submissions (2):

Fulgent Genetics
Classification: Uncertain significance for Cranioectodermal dysplasia 2; Short-rib thoracic dysplasia 7 with or without polydactyly. Last evaluated: 2024-06-12. Review status: criteria provided, single submitter. Criteria: ACMG Guidelines, 2015. Collection method: clinical testing. Allele origin: germline.

Labcorp Genetics (formerly Invitae), Labcorp
Classification: Uncertain significance for Cranioectodermal dysplasia 2; Short-rib thoracic dysplasia 7 with or without polydactyly. Last evaluated: 2022-06-28. Review status: criteria provided, single submitter. Criteria: Invitae Variant Classification Sherloc (09022015). Collection method: clinical testing. Allele origin: germline.
Comment: This variant is not present in population databases (gnomAD no frequency). In summary, the available evidence is currently insufficient to determine the role of this variant in disease. Therefore, it has been classified as a Variant of Uncertain Significance. Algorithms developed to predict the effect of missense changes on protein structure and function are either unavailable or do not agree on the potential impact of this missense change (SIFT: "Deleterious"; PolyPhen-2: "Possibly Damaging"; Align-GVGD: "Class C15"). This variant has not been reported in the literature in individuals affected with WDR35-related conditions. This sequence change replaces glycine, which is neutral and non-polar, with glutamic acid, which is acidic and polar, at codon 209 of the WDR35 protein (p.Gly209Glu).